The following is an entry in ClinVar:

ClinVar aggregate classification (germline): Benign (1 of 4 stars; one submission).

Conditions:
Lynch syndrome 4 (LYNCH4). Also called: Colorectal cancer, hereditary nonpolyposis, type 4; Hereditary non-polyposis colorectal cancer, type 4. Identifiers: Orphanet 144, MedGen C1838333, MONDO:0013699, OMIM 614337. Disease mechanism: loss of function.

Submission:

Myriad Genetics, Inc.
Classification: Benign for Lynch syndrome 4. Last evaluated: 2025-01-24. Review status: criteria provided, single submitter. Criteria: Myriad Autosomal Dominant, Autosomal Recessive and X-Linked Classification Criteria (2023). Collection method: clinical testing. Allele origin: unknown.
Comment: This variant is considered benign. This variant is a silent/synonymous amino acid change and it is not expected to impact splicing.

NM_000535.7(PMS2):c.420T>C (p.Asn140=)

Gene: PMS2 (PMS1 homolog 2, mismatch repair system component; minus strand). Cytogenetic location: 7p22.1.
Variant type: single nucleotide variant.
Coding change: c.420T>C on transcript NM_000535.7 (MANE Select); coding-DNA position 420, T replaced by C.
Protein change: p.Asn140=; no amino-acid change (asparagine 140 retained).
Molecular consequence: synonymous variant. On other transcripts: 5 prime UTR variant (2), non-coding transcript variant (1), intron variant (1).
Genome position (GRCh38, 1-based): chr7:6,002,570, A>G on the plus strand (T>C on the coding strand, the complement: PMS2 is on the minus strand). VCF-style: chr7-6002570-A-G. GRCh37 (hg19) VCF-style: chr7-6042201-A-G.
Other names: c.15T>C, p.Asn5= (NM_001322003.2, NM_001322004.2, NM_001322005.2 and 24 more transcripts); c.420T>C, p.Asn140= (NM_001322006.2, NM_001322014.2, NM_001406869.1 and 8 more transcripts); c.102T>C, p.Asn34= (NM_001322007.2, NM_001322008.2, NM_001406876.1 and 4 more transcripts); c.-465T>C (NM_001322011.2, NM_001322012.2); c.111T>C, p.Asn37= (NM_001322015.2, NM_001406875.1, NM_001406877.1 and 6 more transcripts); c.606T>C, p.Asn202= (NM_001406866.1); c.444T>C, p.Asn148= (NM_001406868.1); c.250+1402T>C (NM_001406885.1).
Identifiers: ClinVar variation 3904358 (VCV003904358.1).